The following is an entry in ClinVar:

ClinVar aggregate classification (germline): Uncertain significance. Review status: criteria provided, multiple submitters, no conflicts (2 of 4 stars). 2 submissions from 2 submitters: Uncertain significance (2). Last evaluated 2024-05-30.

Conditions:
Inborn genetic diseases. Identifiers: MedGen C0950123, MeSH D030342.
Deficiency of hydroxymethylglutaryl-CoA lyase (HMGCLD). Also called: HMG-CoA LYASE DEFICIENCY; HMGCL DEFICIENCY; HYDROXYMETHYLGLUTARIC ACIDURIA; Defect in leucine metabolism; 3-hydroxy-3-methylglutaric aciduria. Identifiers: Orphanet 20, MedGen C1533587, MONDO:0009520, OMIM 246450.

Allele frequency attached by ClinVar (database versions not stated): TOPMed below 0.00001.
gnomAD v4.1: 6 of 1,560,008 alleles (0.00038%); highest among the groups gnomAD compares: African/African-American, 0.0027%; no homozygotes.

Submissions (2):

Ambry Genetics
Classification: Uncertain significance for Inborn genetic diseases. Last evaluated: 2024-05-30. Review status: criteria provided, single submitter. Criteria: Ambry Variant Classification Scheme 2023. Collection method: clinical testing. Allele origin: germline.

Labcorp Genetics (formerly Invitae), Labcorp
Classification: Uncertain significance for Deficiency of hydroxymethylglutaryl-CoA lyase. Last evaluated: 2022-01-11. Review status: criteria provided, single submitter. Criteria: Invitae Variant Classification Sherloc (09022015). Collection method: clinical testing. Allele origin: germline.
Comment: This sequence change replaces lysine, which is basic and polar, with glutamic acid, which is acidic and polar, at codon 6 of the HMGCL protein (p.Lys6Glu). The frequency data for this variant in the population databases is considered unreliable, as metrics indicate poor data quality at this position in the gnomAD database. This variant has not been reported in the literature in individuals affected with HMGCL-related conditions. Algorithms developed to predict the effect of missense changes on protein structure and function are either unavailable or do not agree on the potential impact of this missense change (SIFT: "Deleterious"; PolyPhen-2: "Benign"; Align-GVGD: "Class C0"). In summary, the available evidence is currently insufficient to determine the role of this variant in disease. Therefore, it has been classified as a Variant of Uncertain Significance.

NM_000191.3(HMGCL):c.16A>G (p.Lys6Glu)

Gene: HMGCL (3-hydroxy-3-methylglutaryl-CoA lyase; minus strand). Cytogenetic location: 1p36.11.
Variant type: single nucleotide variant.
Coding change: c.16A>G on transcript NM_000191.3 (MANE Select); coding-DNA position 16, A replaced by G.
Protein change: p.Lys6Glu; replaces lysine 6 with glutamic acid.
Molecular consequence: missense variant.
Genome position (GRCh38, 1-based): chr1:23,825,400, T>C on the plus strand (A>G on the coding strand, the complement: HMGCL is on the minus strand). VCF-style: chr1-23825400-T-C. GRCh37 (hg19) VCF-style: chr1-24151890-T-C.
Other names: c.16A>G (NM_000191.2); c.16A>G, p.Lys6Glu (NM_001166059.2); short protein forms K6E.
Identifiers: ClinVar variation 1933652 (VCV001933652.3), dbSNP rs568927905, ClinGen allele CA686231.